The following is an entry in ClinVar:

NM_000214.3(JAG1):c.1181dup (p.Asn394fs)

Gene: JAG1 (jagged canonical Notch ligand 1; minus strand). Cytogenetic location: 20p12.2.
Variant type: Duplication.
Coding change: c.1181dup on transcript NM_000214.3 (MANE Select); coding-DNA position 1181, one base duplicated (A; older notation c.1181dupA).
Protein change: p.Asn394fs; shifts the reading frame from asparagine 394.
Molecular consequence: frameshift variant.
Genome position (GRCh38, 1-based): chr20:10,650,300, T duplicated on the plus strand (A on the coding strand, the reverse complement: JAG1 is on the minus strand); the first of 2 consecutive T bases (chr20:10,650,300-10,650,301); duplicating either gives the same sequence. VCF-style (leftmost placement, unchanged base first): chr20-10650299-G-GT. GRCh37 (hg19) VCF-style: chr20-10630947-G-GT.
Other names: c.1181dupA (NM_000214.3); short protein forms N394fs.
Identifiers: ClinVar variation 1805534 (VCV001805534.1), dbSNP rs2514519192, ClinGen allele CA923726216.

ClinVar aggregate classification (germline): Pathogenic (1 of 4 stars; one submission).

Conditions:
Alagille syndrome due to a JAG1 point mutation. Also called: Alagille Syndrome 1; JAG1-Related Alagille Syndrome; HEPATIC DUCTULAR HYPOPLASIA, SYNDROMATIC. Identifiers: Orphanet 261619, Orphanet 52, MedGen C1956125, MONDO:0016862, OMIM 118450.

Submission:

Victorian Clinical Genetics Services, Murdoch Childrens Research Institute
Classification: Pathogenic for Alagille syndrome due to a JAG1 point mutation. Last evaluated: 2022-02-02. Review status: criteria provided, single submitter. Criteria: ACMG Guidelines, 2015. Collection method: clinical testing. Allele origin: germline. Inheritance: Autosomal dominant inheritance.
Comment: Based on the classification scheme VCGS_Germline_v1.3.4, this variant is classified as Pathogenic. Following criteria are met: 0102 - Loss of function is a known mechanism of disease in this gene and is associated with Alagille syndrome 1 (MIM#118450). (I) 0107 - This gene is associated with autosomal dominant disease. (I) 0201 - Variant is predicted to cause nonsense-mediated decay (NMD) and loss of protein (premature termination codon is located at least 54 nucleotides upstream of the final exon-exon junction). (SP) 0251 - This variant is heterozygous. (I) 0301 - Variant is absent from gnomAD (both v2 and v3). (SP) 0701 - Other NMD-predicted variants comparable to the one identified in this case have very strong previous evidence for pathogenicity. Many other variants predicted to result in a loss of function have previously been reported as pathogenic in individuals with Alagille syndrome 1 (MIM#118450) (ClinVar, DECIPHER). (SP) 0807 - This variant has no previous evidence of pathogenicity. (I) 0905 - No published segregation evidence has been identified for this variant. (I) 1007 - No published functional evidence has been identified for this variant. (I) 1208 - Inheritance information for this variant is not currently available in this individual. (I) Legend: (SP) - Supporting pathogenic, (I) - Information, (SB) - Supporting benign